The following is an entry in ClinVar:

ClinVar aggregate classification (germline): Likely benign. Review status: criteria provided, single submitter (1 of 4 stars). 2 submissions from 2 submitters: Likely benign (1). 1 of the submissions does not count toward it. Last evaluated 2024-11-05.

Conditions:
WDR81-related disorder. Also called: WDR81-related condition.

Allele frequency attached by ClinVar (database versions not stated): ExAC 0.00006; 1000 Genomes Project 30x 0.00016; TOPMed 0.00016; 1000 Genomes Project 0.00020; gnomAD 0.00020; ESP Exome Variant Server 0.00031; gnomAD exomes 0.00033.

Submissions (2):

Blueprint Genetics
Classification: Likely benign. Last evaluated: 2024-11-05. Review status: criteria provided, single submitter. Criteria: ACMG Guidelines, 2015. Collection method: clinical testing. Allele origin: germline.

PreventionGenetics, part of Exact Sciences
Classification: Likely benign for WDR81-related condition. Last evaluated: 2020-05-19. Review status: no assertion criteria provided. Collection method: clinical testing. Allele origin: germline. Not counted in ClinVar's aggregate classification.
Comment: This variant is classified as likely benign based on ACMG/AMP sequence variant interpretation guidelines (Richards et al. 2015 PMID: 25741868, with internal and published modifications).

NM_001163809.2(WDR81):c.5664C>T (p.Ser1888=)

Gene: WDR81 (WD repeat domain 81; plus strand). Cytogenetic location: 17p13.3.
Variant type: single nucleotide variant.
Coding change: c.5664C>T on transcript NM_001163809.2 (MANE Select); coding-DNA position 5664, C replaced by T.
Protein change: p.Ser1888=; no amino-acid change (serine 1888 retained).
Molecular consequence: synonymous variant.
Genome position (GRCh38, 1-based): chr17:1,737,523, C>T. VCF-style: chr17-1737523-C-T. GRCh37 (hg19) VCF-style: chr17-1640817-C-T.
Other names: c.2055C>T, p.Ser685= (NM_001163673.2); c.1983C>T, p.Ser661= (NM_001163811.2); c.2511C>T, p.Ser837= (NM_152348.4).
Identifiers: ClinVar variation 3036956 (VCV003036956.3), dbSNP rs146495861, ClinGen allele CA8273943.